The following is an entry in ClinVar:

NM_002488.4(NDUFA2):c.-106_-106delG

Genes: NDUFA2 (NADH:ubiquinone oxidoreductase subunit A2; minus strand), TMCO6 (transmembrane and coiled-coil domains 6; plus strand). Cytogenetic location: 5q31.3.
Variant type: Deletion.
Coding change: c.-106_-106delG on transcript NM_002488.4; 106 bases upstream of the start codon, one base deleted (G).
Genome position (GRCh38, 1-based): chr5:140,647,689, C deleted on the plus strand (G on the coding strand, the reverse complement: NDUFA2 is on the minus strand). VCF-style (leftmost placement, unchanged base first): chr5-140647688-GC-G. GRCh37 (hg19) VCF-style: chr5-140027273-GC-G.
Identifiers: ClinVar variation 675849 (VCV000675849.3), dbSNP rs200203867, ClinGen allele CA3442601.

ClinVar aggregate classification (germline): Likely benign (1 of 4 stars; one submission).

Allele frequency attached by ClinVar (database versions not stated): ExAC 0.00246; gnomAD exomes 0.00146 and 0.00064; 1000 Genomes Project 0.00859; 1000 Genomes Project 30x 0.00968; gnomAD 0.00761 and 0.00701; TOPMed 0.00773.

Submission:

GeneDx
Classification: Likely benign. Last evaluated: 2018-06-16. Review status: criteria provided, single submitter. Criteria: GeneDx Variant Classification (06012015). Collection method: clinical testing. Allele origin: germline. Affected: yes.
Comment: This variant is considered likely benign or benign based on one or more of the following criteria: it is a conservative change, it occurs at a poorly conserved position in the protein, it is predicted to be benign by multiple in silico algorithms, and/or has population frequency not consistent with disease.